The following is an entry in ClinVar:

NM_000017.4(ACADS):c.307GAG[1] (p.Glu104del)

Gene: ACADS (acyl-CoA dehydrogenase short chain; plus strand). Cytogenetic location: 12q24.31.
Variant type: Microsatellite.
Coding change: c.307GAG[1] on transcript NM_000017.4 (MANE Select); one copy of the 3-base unit GAG starting at c.307; the reference has two copies in a row; one copy, 3 bases deleted; also written c.310_312del.
Protein change: p.Glu104del; deletes glutamic acid 104.
Molecular consequence: inframe deletion.
Genome position (GRCh38, 1-based): chr12:120,737,085-120,737,087, GAG deleted; deleting any 3 consecutive bases within chr12:120,737,081-120,737,087 gives the same sequence; the position shown is the placement nearest the transcript's 3' end. VCF-style (leftmost placement, unchanged base first): chr12-120737080-TGGA-T. GRCh37 (hg19) VCF-style: chr12-121174883-TGGA-T.
Other names: c.310_312delGAG (NM_000017.2); c.310_312del (NM_000017.4); c.307GAG[1], p.Glu104del (NM_001302554.2); short protein forms E104del.
Identifiers: ClinVar variation 3833 (VCV000003833.50), dbSNP rs387906308, ClinGen allele CA252884.

ClinVar aggregate classification (germline): Pathogenic. Review status: criteria provided, multiple submitters, no conflicts (2 of 4 stars). 11 submissions from 11 submitters: Pathogenic (9). 2 of the submissions do not count toward it. Last evaluated 2025-12-02.

Conditions:
ACADS-related disorder. Also called: ACADS-related condition.
Deficiency of butyryl-CoA dehydrogenase (ACADSD). Also called: SCAD Deficiency; ACADS DEFICIENCY; SCAD DEFICIENCY, MILD; Short-Chain Acyl-CoA Dehydrogenase Deficiency; SCADH DEFICIENCY; ACYL-CoA DEHYDROGENASE, SHORT-CHAIN, DEFICIENCY OF. Identifiers: Orphanet 26792, MedGen C0342783, MONDO:0008722, OMIM 201470. Disease mechanism: May be benign.

Submissions (11):

Institute of Human Genetics, University of Leipzig Medical Center
Classification: Pathogenic for Deficiency of butyryl-CoA dehydrogenase. Last evaluated: 2025-12-02. Review status: criteria provided, single submitter. Criteria: ACMG Guidelines, 2015. Collection method: clinical testing. Allele origin: unknown. Inheritance: Autosomal recessive inheritance. Affected: yes.
Comment: Criteria applied: PM3_STR,PM2,PM4,PS3_SUP,PP4

Labcorp Genetics (formerly Invitae), Labcorp
Classification: Pathogenic for Deficiency of butyryl-CoA dehydrogenase. Last evaluated: 2025-06-03. Review status: criteria provided, single submitter. Criteria: Invitae Variant Classification Sherloc (09022015). Collection method: clinical testing. Allele origin: germline.
Comment: This variant, c.310_312del, results in the deletion of 1 amino acid(s) of the ACADS protein (p.Glu104del), but otherwise preserves the integrity of the reading frame. This variant is present in population databases (rs751780151, gnomAD 0.003%). This variant has been observed in individuals with short-chain acyl-CoA dehydrogenase deficiency (PMID: 11134486, 26110041, 29678161). Algorithms developed to predict the effect of variants on gene product structure and function are not available or were not evaluated for this variant. Experimental studies have shown that this variant affects ACADS function (PMID: 11134486). For these reasons, this variant has been classified as Pathogenic.

Laboratory of Genetics, Children's Clinical University Hospital Latvia
Classification: Pathogenic. Last evaluated: 2025-02-16. Review status: criteria provided, single submitter. Criteria: ACMG Guidelines, 2015. Collection method: clinical testing. Allele origin: germline. Affected: yes.

Blueprint Genetics
Classification: Pathogenic for ACADS-related disorders. Last evaluated: 2024-08-20. Review status: criteria provided, single submitter. Criteria: ACMG Guidelines, 2015. Collection method: clinical testing. Allele origin: germline. Affected: yes. Observed: 5 variant alleles.

Institute for Clinical Genetics, University Hospital TU Dresden, University Hospital TU Dresden
Classification: Pathogenic. Last evaluated: 2021-11-03. Review status: criteria provided, single submitter. Criteria: ACMG Guidelines, 2015. Collection method: clinical testing. Allele origin: germline.

Fulgent Genetics
Classification: Pathogenic for Deficiency of butyryl-CoA dehydrogenase. Last evaluated: 2021-07-30. Review status: criteria provided, single submitter. Criteria: ACMG Guidelines, 2015. Collection method: clinical testing. Allele origin: unknown.

Centre for Mendelian Genomics, University Medical Centre Ljubljana
Classification: Pathogenic for Deficiency of butyryl-CoA dehydrogenase. Last evaluated: 2019-02-20. Review status: criteria provided, single submitter. Criteria: ACMG Guidelines, 2015. Collection method: clinical testing. Allele origin: unknown. Affected: yes.
Comment: This variant was classified as: Pathogenic. The following ACMG criteria were applied in classifying this variant: PS1,PM2,PS3,PM3.

CeGaT Center for Human Genetics Tuebingen
Classification: Pathogenic. Last evaluated: 2018-03-01. Review status: criteria provided, single submitter. Criteria: CeGaT Center For Human Genetics Tuebingen Variant Classification Criteria Version 2. Collection method: clinical testing. Allele origin: germline. Affected: yes. Observed: 1 variant allele.

GeneDx
Classification: Pathogenic. Last evaluated: 2014-04-02. Review status: criteria provided, single submitter. Criteria: GeneDx Variant Classification (06012015). Collection method: clinical testing. Allele origin: germline. Affected: yes.
Comment: The c.310_312delGAG mutation in the ACADS gene has been reported previously in association with short chain acyl-CoA dehydrogenase (SCAD) deficiency in an individual who also harbored the common G209S variant and in whom fibroblast SCAD activity was undetectable (Corydon et al., 2001). The deletion results in the loss of a single Glutamic Acid at codon 104, denoted p.Glu104del. The surrounding sequence GGAG{delGAG}ATCA. The variant is found in ACADS panel(s).

Counsyl
Classification: Pathogenic for Deficiency of butyryl-CoA dehydrogenase. Last evaluated: 2019-01-24. Review status: no assertion criteria provided. Collection method: clinical testing. Allele origin: unknown. Not counted in ClinVar's aggregate classification.

OMIM
Classification: Pathogenic for SCAD DEFICIENCY. Last evaluated: 2001-01-01. Review status: no assertion criteria provided. Collection method: literature only. Allele origin: germline. Not counted in ClinVar's aggregate classification.

Literature cited by the submitters: PubMed 11134486 (cited by 3 submitters); PubMed 26110041 (cited by Labcorp Genetics (formerly Invitae), Labcorp and Counsyl); PubMed 29678161 (cited by Labcorp Genetics (formerly Invitae), Labcorp and Counsyl).